The following is an entry in ClinVar:

NM_013275.6(ANKRD11):c.6481G>C (p.Ala2161Pro)

Gene: ANKRD11 (ankyrin repeat domain 11; minus strand). Cytogenetic location: 16q24.3.
Variant type: single nucleotide variant.
Coding change: c.6481G>C on transcript NM_013275.6 (MANE Select); coding-DNA position 6481, G replaced by C.
Protein change: p.Ala2161Pro; replaces alanine 2161 with proline.
Molecular consequence: missense variant.
Genome position (GRCh38, 1-based): chr16:89,280,061, C>G on the plus strand (G>C on the coding strand, the complement: ANKRD11 is on the minus strand). VCF-style: chr16-89280061-C-G. GRCh37 (hg19) VCF-style: chr16-89346469-C-G.
Other names: c.6481G>C, p.Ala2161Pro (NM_001256182.2, NM_001256183.2); short protein forms A2161P.
Identifiers: ClinVar variation 3609053 (VCV003609053.2).

ClinVar aggregate classification (germline): Uncertain significance (1 of 4 stars; one submission).

Conditions:
KBG syndrome (KBGS). Also called: ANKRD11-Related KBG Syndrome. Identifiers: Orphanet 2332, MedGen C0220687, MONDO:0007846, OMIM 148050.

gnomAD v4.1: 13 of 1,612,906 alleles (0.00081%); highest among the groups gnomAD compares: African/African-American, 0.012%; no homozygotes.

Submission:

Labcorp Genetics (formerly Invitae), Labcorp
Classification: Uncertain significance for KBG syndrome. Last evaluated: 2024-03-29. Review status: criteria provided, single submitter. Criteria: Invitae Variant Classification Sherloc (09022015). Collection method: clinical testing. Allele origin: germline.
Comment: This sequence change replaces alanine, which is neutral and non-polar, with proline, which is neutral and non-polar, at codon 2161 of the ANKRD11 protein (p.Ala2161Pro). This variant is present in population databases (rs369149353, gnomAD 0.02%). This variant has not been reported in the literature in individuals affected with ANKRD11-related conditions. Advanced modeling of protein sequence and biophysical properties (such as structural, functional, and spatial information, amino acid conservation, physicochemical variation, residue mobility, and thermodynamic stability) performed at Invitae indicates that this missense variant is not expected to disrupt ANKRD11 protein function with a negative predictive value of 95%. In summary, the available evidence is currently insufficient to determine the role of this variant in disease. Therefore, it has been classified as a Variant of Uncertain Significance.